The following is an entry in ClinVar:

ClinVar aggregate classification (germline): Uncertain significance (1 of 4 stars; one submission).

gnomAD v4.1: 1 of 1,614,202 alleles (0.000062%); highest among the groups gnomAD compares: Admixed American, 0.0017%; no homozygotes.

Submission:

Ambry Genetics
Classification: Uncertain significance. Last evaluated: 2026-07-13. Review status: criteria provided, single submitter. Criteria: Ambry Variant Classification Scheme 2023. Collection method: clinical testing. Allele origin: germline.
Comment: The p.Q273P variant (also known as c.818A>C), located in coding exon 1 of the CDK12 gene, results from an A to C substitution at nucleotide position 818. The glutamine at codon 273 is replaced by proline, an amino acid with similar properties. This amino acid position is conserved. In addition, this alteration is predicted to be tolerated by in silico analysis. Based on the available evidence, the clinical significance of this variant remains unclear.

NM_016507.4(CDK12):c.818A>C (p.Gln273Pro)

Genes: CDK12 (cyclin dependent kinase 12; plus strand), LOC126862553 (CDK7 strongly-dependent group 2 enhancer GRCh37_chr17:37618166-37619365; plus strand). Cytogenetic location: 17q12.
Variant type: single nucleotide variant.
Coding change: c.818A>C on transcript NM_016507.4 (MANE Select); coding-DNA position 818, A replaced by C.
Protein change: p.Gln273Pro; replaces glutamine 273 with proline.
Molecular consequence: missense variant.
Genome position (GRCh38, 1-based): chr17:39,462,889, A>C. VCF-style: chr17-39462889-A-C. GRCh37 (hg19) VCF-style: chr17-37619142-A-C.
Other names: c.818A>C, p.Gln273Pro (NM_015083.4); short protein forms Q273P.
Identifiers: ClinVar variation 5034095 (VCV005034095.1).
Genomic context (GRCh38, chr17:39,462,889, plus strand): 5'-CTCATACCTCGAGCAATTATGACTCCTACAAGAAAAGTCCTGGAAGTACCTCGAGAAGGC[A>C]GTCGGTCAGTCCCCCTTACAAGGAGCCTTCGGCCTACCAGTCCAGCACCCGGTCACCGAG-3'
Protein context (NP_057591.2, residues 263-283): KKSPGSTSRR[Gln273Pro]SVSPPYKEPS